The following is an entry in ClinVar:

NM_005120.3(MED12):c.4416-78_4416-74dup

Gene: MED12 (mediator complex subunit 12; plus strand). Cytogenetic location: Xq13.1.
Variant type: Duplication.
Coding change: c.4416-78_4416-74dup on transcript NM_005120.3 (MANE Select); 78 bases into the intron before coding-DNA position 4416 through 74 bases into the intron before coding-DNA position 4416, 5 bases duplicated (CCTCT; older notation c.4416-78_4416-74dupCCTCT).
Molecular consequence: intron variant.
Genome position (GRCh38, 1-based): chrX:71,132,767-71,132,771, CCTCT duplicated; duplicating any 5 consecutive bases within chrX:71,132,763-71,132,771 gives the same sequence; the c. name uses the placement nearest the transcript's 3' end. VCF-style (leftmost placement, unchanged base first): chrX-71132762-T-TCTCTC. GRCh37 (hg19) VCF-style: chrX-70352612-T-TCTCTC.
Identifiers: ClinVar variation 2660844 (VCV002660844.24), dbSNP rs1305374328, ClinGen allele CA641918423.

ClinVar aggregate classification (germline): Likely benign (1 of 4 stars; one submission).

Submission:

CeGaT Center for Human Genetics Tuebingen
Classification: Likely benign. Last evaluated: 2023-07-01. Review status: criteria provided, single submitter. Criteria: CeGaT Center For Human Genetics Tuebingen Variant Classification Criteria Version 2. Collection method: clinical testing. Allele origin: germline. Affected: yes. Observed: 3 variant alleles.
Comment: MED12: BS2